The following is an entry in ClinVar:

ClinVar aggregate classification (germline): Uncertain significance. Review status: criteria provided, multiple submitters, no conflicts (2 of 4 stars). 3 submissions from 3 submitters: Uncertain significance (3). Last evaluated 2025-08-21.

Conditions:
MHC class II deficiency. Also called: BLS, TYPE II; Bare lymphocyte syndrome 2. Identifiers: Orphanet 572, MedGen C5447452, MONDO:0008855.
Inborn genetic diseases. Identifiers: MedGen C0950123, MeSH D030342.

Allele frequency attached by ClinVar (database versions not stated): gnomAD 0.00001; TOPMed 0.00001.
gnomAD v4.1: 10 of 1,612,382 alleles (0.00062%); highest among the groups gnomAD compares: Admixed American, 0.012%; no homozygotes.

Submissions (3):

Ambry Genetics
Classification: Uncertain significance for Inborn genetic diseases. Last evaluated: 2025-08-21. Review status: criteria provided, single submitter. Criteria: Ambry Variant Classification Scheme 2023. Collection method: clinical testing. Allele origin: germline.

Dasa
Classification: Uncertain significance. Last evaluated: 2025-02-15. Review status: criteria provided, single submitter. Criteria: DASA Assertion Criteria. Collection method: clinical testing. Allele origin: germline.
Comment: NM_000246.4(CIITA):c.1043C>G (p.Thr348Arg) is a missense variant that results in the substitution of threonine with arginine. This variant is rare in population databases. Computational prediction algorithms are consistent with a benign effect. The currently available literature and clinical evidence are not sufficient to establish a definitive association between this variant and the reported condition. Therefore, this variant is classified as a variant of uncertain significance.

Labcorp Genetics (formerly Invitae), Labcorp
Classification: Uncertain significance for MHC class II deficiency. Last evaluated: 2021-10-21. Review status: criteria provided, single submitter. Criteria: Invitae Variant Classification Sherloc (09022015). Collection method: clinical testing. Allele origin: germline.
Comment: This sequence change replaces threonine with arginine at codon 348 of the CIITA protein (p.Thr348Arg). The threonine residue is weakly conserved and there is a moderate physicochemical difference between threonine and arginine. This variant is not present in population databases (ExAC no frequency). This variant has not been reported in the literature in individuals with CIITA-related conditions. Algorithms developed to predict the effect of missense changes on protein structure and function output the following: SIFT: "Tolerated"; PolyPhen-2: "Benign"; Align-GVGD: "Class C0". The arginine amino acid residue is found in multiple mammalian species, suggesting that this missense change does not adversely affect protein function. These predictions have not been confirmed by published functional studies and their clinical significance is uncertain. Algorithms developed to predict the effect of sequence changes on RNA splicing suggest that this variant may create or strengthen a splice site, but this prediction has not been confirmed by published transcriptional studies. In summary, the available evidence is currently insufficient to determine the role of this variant in disease. Therefore, it has been classified as a Variant of Uncertain Significance.

NM_000246.4(CIITA):c.1043C>G (p.Thr348Arg)

Gene: CIITA (class II major histocompatibility complex transactivator; plus strand). Cytogenetic location: 16p13.13.
Variant type: single nucleotide variant.
Coding change: c.1043C>G on transcript NM_000246.4 (MANE Select); coding-DNA position 1043, C replaced by G.
Protein change: p.Thr348Arg; replaces threonine 348 with arginine.
Molecular consequence: missense variant. On other transcripts: intron variant (1).
Genome position (GRCh38, 1-based): chr16:10,906,535, C>G. VCF-style: chr16-10906535-C-G. GRCh37 (hg19) VCF-style: chr16-11000392-C-G.
Other names: c.1046C>G, p.Thr349Arg (NM_001286402.1, NM_001379332.1); c.899C>G, p.Thr300Arg (NM_001379330.1); c.896C>G, p.Thr299Arg (NM_001379331.1); c.1043C>G, p.Thr348Arg (NM_001379333.1); c.974C>G, p.Thr325Arg (NM_001379334.1); c.859+1723C>G (NM_001286403.2); short protein forms T299R, T300R, T325R, T348R, T349R.
Identifiers: ClinVar variation 2420844 (VCV002420844.6), dbSNP rs757559019, ClinGen allele CA277744679.